The following is an entry in ClinVar:

NM_001365951.3(KIF1B):c.1619A>T (p.Asp540Val)

Gene: KIF1B (kinesin family member 1B; plus strand). Cytogenetic location: 1p36.22.
Variant type: single nucleotide variant.
Coding change: c.1619A>T on transcript NM_001365951.3 (MANE Select); coding-DNA position 1619, A replaced by T.
Protein change: p.Asp540Val; replaces aspartic acid 540 with valine.
Molecular consequence: missense variant.
Genome position (GRCh38, 1-based): chr1:10,295,114, A>T. VCF-style: chr1-10295114-A-T. GRCh37 (hg19) VCF-style: chr1-10355172-A-T.
Other names: c.1481A>T, p.Asp494Val (NM_183416.4, NM_001365953.1, NM_015074.3); c.1619A>T, p.Asp540Val (NM_001365952.1); short protein forms D494V, D540V.
Identifiers: ClinVar variation 4826099 (VCV004826099.1).

ClinVar aggregate classification (germline): Uncertain significance (1 of 4 stars; one submission).

Submission:

Ambry Genetics
Classification: Uncertain significance. Last evaluated: 2026-03-13. Review status: criteria provided, single submitter. Criteria: Ambry Variant Classification Scheme 2023. Collection method: clinical testing. Allele origin: germline.
Comment: The p.D494V variant (also known as c.1481A>T), located in coding exon 15 of the KIF1B gene, results from an A to T substitution at nucleotide position 1481. The aspartic acid at codon 494 is replaced by valine, an amino acid with highly dissimilar properties. This amino acid position is conserved. In addition, this alteration is predicted to be deleterious by in silico analysis. Based on the available evidence, the clinical significance of this variant remains unclear.